The following is an entry in ClinVar:

ClinVar aggregate classification (germline): Uncertain significance (1 of 4 stars; one submission).

Conditions:
Nephronophthisis. Also called: Juvenile Nephronophthisis. Identifiers: Orphanet 655, MedGen C0687120, MONDO:0019005, HP:0000090.

Allele frequency attached by ClinVar (database versions not stated): gnomAD exomes 0.00001.
gnomAD v4.1: 22 of 1,597,256 alleles (0.0014%); highest among the groups gnomAD compares: East Asian, 0.045%; no homozygotes.

Submission:

Labcorp Genetics (formerly Invitae), Labcorp
Classification: Uncertain significance for Nephronophthisis. Last evaluated: 2022-06-20. Review status: criteria provided, single submitter. Criteria: Invitae Variant Classification Sherloc (09022015). Collection method: clinical testing. Allele origin: germline.
Comment: In summary, the available evidence is currently insufficient to determine the role of this variant in disease. Therefore, it has been classified as a Variant of Uncertain Significance. Algorithms developed to predict the effect of missense changes on protein structure and function (SIFT, PolyPhen-2, Align-GVGD) all suggest that this variant is likely to be tolerated. ClinVar contains an entry for this variant (Variation ID: 1058718). This variant has not been reported in the literature in individuals affected with IQCB1-related conditions. This variant is present in population databases (no rsID available, gnomAD 0.01%). This sequence change replaces valine, which is neutral and non-polar, with phenylalanine, which is neutral and non-polar, at codon 285 of the IQCB1 protein (p.Val285Phe).

NM_001023570.4(IQCB1):c.853G>T (p.Val285Phe)

Gene: IQCB1 (IQ motif containing B1; minus strand). Cytogenetic location: 3q13.33.
Variant type: single nucleotide variant.
Coding change: c.853G>T on transcript NM_001023570.4 (MANE Select); coding-DNA position 853, G replaced by T.
Protein change: p.Val285Phe; replaces valine 285 with phenylalanine.
Molecular consequence: missense variant. On other transcripts: non-coding transcript variant (1), intron variant (1).
Genome position (GRCh38, 1-based): chr3:121,797,141, C>A on the plus strand (G>T on the coding strand, the complement: IQCB1 is on the minus strand). VCF-style: chr3-121797141-C-A. GRCh37 (hg19) VCF-style: chr3-121515988-C-A.
Other names: c.853G>T, p.Val285Phe (NM_001319107.2); c.588-6926G>T (NM_001023571.4); short protein forms V285F.
Identifiers: ClinVar variation 1058718 (VCV001058718.9), dbSNP rs1467393686, ClinGen allele CA354120373.
Genomic context (GRCh38, chr3:121,797,141, plus strand): 5'-AAATATCATGCAATTTTTTTTTTTTGTAACTTAATACCTGCTCTTCTACTTCCTGATAGA[C>A]CATTGGGCTTAAAAGGCCAACAAGCTGTCTAAGTTCTTGACTGAATTCAGTCCCAGTTTC-3'
Protein context (NP_001018864.2, residues 275-295): RQLVGLLSPM[Val285Phe]YQEVEEQKLH